The following is an entry in ClinVar:

ClinVar aggregate classification (germline): Uncertain significance (1 of 4 stars; one submission).

Submission:

Ambry Genetics
Classification: Uncertain significance. Last evaluated: 2023-03-17. Review status: criteria provided, single submitter. Criteria: Ambry Variant Classification Scheme 2023. Collection method: clinical testing. Allele origin: germline.
Comment: The p.T52A variant (also known as c.154A>G), located in coding exon 2 of the IDH1 gene, results from an A to G substitution at nucleotide position 154. The threonine at codon 52 is replaced by alanine, an amino acid with similar properties. This amino acid position is conserved. In addition, the in silico prediction for this alteration is inconclusive. Since supporting evidence is limited at this time, the clinical significance of this alteration remains unclear.

NM_005896.4(IDH1):c.154A>G (p.Thr52Ala)

Gene: IDH1 (isocitrate dehydrogenase (NADP(+)) 1; minus strand). Cytogenetic location: 2q34.
Variant type: single nucleotide variant.
Coding change: c.154A>G on transcript NM_005896.4 (MANE Select); coding-DNA position 154, A replaced by G.
Protein change: p.Thr52Ala; replaces threonine 52 with alanine.
Molecular consequence: missense variant.
Genome position (GRCh38, 1-based): chr2:208,248,629, T>C on the plus strand (A>G on the coding strand, the complement: IDH1 is on the minus strand). VCF-style: chr2-208248629-T-C. GRCh37 (hg19) VCF-style: chr2-209113353-T-C.
Other names: c.154A>G, p.Thr52Ala (NM_001282386.1, NM_001282387.1); short protein forms T52A.
Identifiers: ClinVar variation 2567498 (VCV002567498.2), dbSNP rs1688067572, ClinGen allele CA350102500.
Genomic context (GRCh38, chr2:208,248,629, plus strand): 5'-TGACGCCAACATTATGCTTCTTTATAGCTTCTGCAGCATCCTTGGTGACTTGGTCGTTGG[T>C]GGCATCACGATTCTCTATGCCTAAATCATAGCTTGAAAGAGAAAAATTAGAAGCAAAGTT-3'
Protein context (NP_005887.2, residues 42-62): YDLGIENRDA[Thr52Ala]NDQVTKDAAE